The following is an entry in ClinVar:

ClinVar aggregate classification (germline): Pathogenic/Likely pathogenic. Review status: criteria provided, multiple submitters, no conflicts (2 of 4 stars). 3 submissions from 3 submitters: Pathogenic (2); Likely pathogenic (1). Last evaluated 2026-02-02.

Conditions:
Hyperlipoproteinemia, type I. Also called: Lipase D deficiency; Familial Lipoprotein Lipase Deficiency; Familial hyperlipo-proteinemia type 1; Hyperlipemia essential familial; Lipoprotein Lipase Deficiency; Hyperlipoproteinemia type 1. Identifiers: Orphanet 309015, Orphanet 444490, MedGen C0023817, MONDO:0009387, OMIM 238600. Disease mechanism: loss of function.
LPL-related disorder. Also called: LPL-related condition.

Submissions (3):

PreventionGenetics, part of Exact Sciences
Classification: Pathogenic for LPL-related condition. Last evaluated: 2026-02-02. Review status: criteria provided, single submitter. Criteria: ACMG Guidelines, 2015. Collection method: clinical testing. Allele origin: germline.
Comment: The LPL c.89-1G>C variant is predicted to disrupt the AG splice acceptor site and interfere with normal splicing. This variant has been reported in the homozygous state in an individual with hyperlipoproteinemia (aka chylomicronemia) (Chokshi et al. 2014. PubMed ID: 24793350). This variant has not been reported in a large population database (gnomAD), indicating this variant is rare. Variants that disrupt the consensus splice acceptor site in LPL are expected to be pathogenic. This variant is interpreted as pathogenic.

Labcorp Genetics (formerly Invitae), Labcorp
Classification: Likely pathogenic. Last evaluated: 2024-10-31. Review status: criteria provided, single submitter. Criteria: Invitae Variant Classification Sherloc (09022015). Collection method: clinical testing. Allele origin: germline.
Comment: This sequence change affects an acceptor splice site in intron 1 of the LPL gene. It is expected to disrupt RNA splicing. Variants that disrupt the donor or acceptor splice site typically lead to a loss of protein function (PMID: 16199547), and loss-of-function variants in LPL are known to be pathogenic (PMID: 11334614). This variant is not present in population databases (gnomAD no frequency). Disruption of this splice site has been observed in individual(s) with chylomicronemia and/or clinical features of LPL-related conditions (PMID: 24793350; internal data). This variant is also known as IVS1-1G>C. ClinVar contains an entry for this variant (Variation ID: 1492400). Algorithms developed to predict the effect of sequence changes on RNA splicing suggest that this variant may disrupt the consensus splice site. In summary, the currently available evidence indicates that the variant is pathogenic, but additional data are needed to prove that conclusively. Therefore, this variant has been classified as Likely Pathogenic.

Natera, Inc.
Classification: Pathogenic for Lipoprotein lipase deficiency. Last evaluated: 2024-09-26. Review status: criteria provided, single submitter. Criteria: Natera Variant Classification Schema (03/2026). Collection method: clinical testing. Allele origin: germline.
Comment: The c.89-1G>C variant in LPL is a canonical splice acceptor site variant predicted to affect pre-mRNA splicing, which may result in an abnormal transcript and altered protein product. This variant is expected to result in nonsense mediated decay, truncation, or a dysfunctional protein product. This variant is rare in the general population with a frequency below the threshold expected for the associated phenotype(s). Another variant at this same site results in an alteration predicted to cause a similar molecular effect has been observed in individual(s) with the associated phenotype. Given the available evidence, this variant is classified as Pathogenic.

Literature cited by the submitters: PubMed 16199547 (cited by Labcorp Genetics (formerly Invitae), Labcorp); PubMed 11334614 (cited by Labcorp Genetics (formerly Invitae), Labcorp); PubMed 24793350 (cited by Labcorp Genetics (formerly Invitae), Labcorp).

NM_000237.3(LPL):c.89-1G>C

Gene: LPL (lipoprotein lipase; plus strand). Cytogenetic location: 8p21.3.
Variant type: single nucleotide variant.
Coding change: c.89-1G>C on transcript NM_000237.3 (MANE Select); the canonical splice acceptor site of the intron before coding-DNA position 89, G replaced by C.
Molecular consequence: splice acceptor variant.
Genome position (GRCh38, 1-based): chr8:19,948,179, G>C. VCF-style: chr8-19948179-G-C. GRCh37 (hg19) VCF-style: chr8-19805690-G-C.
Other names: c.89-1G>C (NM_000237.2).
Identifiers: ClinVar variation 1492400 (VCV001492400.8), dbSNP rs2128836980, ClinGen allele CA370466734.